The following is an entry in ClinVar:

ClinVar aggregate classification (germline): Likely pathogenic. Review status: reviewed by expert panel (3 of 4 stars). 5 submissions from 5 submitters: Likely pathogenic (1). 4 of the submissions do not count toward it. Last evaluated 2025-10-21.

Conditions:
Glycogen storage disease, type II (IOPD). Also called: Glycogen storage disease type 2; Acid maltase deficiency disease; Aglucosidase alfa; Deficiency of alpha-glucosidase; Deficiency of lysosomal alpha-glucosidase; Glucosidase acid-1,4-alpha deficiency. Identifiers: Orphanet 365, MedGen C0017921, MONDO:0009290, OMIM 232300.

Allele frequency attached by ClinVar (database versions not stated): gnomAD exomes below 0.00001.
gnomAD v4.1: 1 of 1,613,124 alleles (0.000062%); highest among the groups gnomAD compares: Admixed American, 0.0017%; no homozygotes.

Submissions (5):

ClinGen Lysosomal Storage Disorder Variant Curation Expert Panel
Classification: Likely pathogenic for Glycogen storage disease, type II. Last evaluated: 2025-10-21. Review status: reviewed by expert panel. Criteria: clingen_lsd_acmg_specifications_v2-1. Collection method: curation. Allele origin: germline. Inheritance: Autosomal recessive inheritance.
Comment: The NM_000152.5:c.1106T>C variant in GAA is a missense variant predicted to cause substitution of leucine by proline at amino acid 369 (p.Leu369Pro). At least 2 patients with a diagnosis of Pompe disease have been reported to have this variant, including one individual with documented GAA activity in the affected range in dried blood spot. This patient was also treated with enzyme replacement therapy for Pompe disease (Duke University; PMID: 23430493) (PP4_Moderate). This individual was compound heterozygous for this variant, c.2704C>T (p.Gln902Ter) (likely pathogenic based on classification by the ClinGen Lysosomal Diseases VCEP), and c.2064C>G (p.Ser688Arg) (not yet evaluated by the ClinGen Lysosomal Diseases VCEP); phase unconfirmed (Duke University). Another individual was compound heterozygous for this variant and c.1064T>C (p.Leu355Pro) (pathogenic based on classification by the ClinGen Lysosomal Diseases VCEP); phase unconfirmed (PMID: 23430493) (PM3_Supporting). The highest population minor allele frequency in gnomAD v4.1.0. is 0.00001666 (1/60010 alleles) in the Admixed American population, which is lower than the ClinGen Lysosomal Diseases VCEP’s threshold for PM2_Supporting (<0.001), meeting this criterion (PM2_Supporting). Additionally, expression of the variant in HEK293 cells resulted in 3.1% wild type GAA activity and evidence of abnormal GAA synthesis and processing, leading the variant to be described as Class B (“potentially less severe”), indicating that this variant may impact protein function (PMID: 23430493) (PS3_Moderate). The computational predictor REVEL gives a score of 0.976, which is above the threshold of 0.7, evidence that correlates with impact to GAA function (PP3). Another missense variant in the same codon, c.1106T>A (p.Leu369Gln), has been reported in a patient with Pompe disease (PMID: 31342611). However, this variant has not yet met the criteria to be classified as pathogenic or likely pathogenic by the ClinGen Lysosomal Diseases VCEP (PM5 not met). In summary, this variant meets the criteria to be classified as likely pathogenic for Pompe disease based on the ACMG/AMP criteria applied, as specified by the ClinGen Lysosomal Diseases Variant Curation Expert panel (specifications Version 2.0): PS3_Moderate, PM2_Supporting, PM3_Supporting, PP3, PP4_Moderate. (Classification approved by the ClinGen Lysosomal Diseases Variant Curation Expert Panel on October 21, 2025).

Genomenon, Inc
Classification: Likely pathogenic for Glycogen storage disease, type II. Last evaluated: 2026-07-01. Review status: criteria provided, single submitter. Criteria: Genomenon Sequence Variant Interpretation Standards - Updated. Collection method: curation. Allele origin: germline. Not counted in ClinVar's aggregate classification.
Comment: GAA p.Leu369Pro (c.1106T>C) is a missense variant that changes the amino acid at codon 369 from Leucine to Proline. This variant has been reported in the compound heterozygous and/or homozygous state in an individual without a confirmed diagnosis of Pompe disease (PMID:23430493). At least one functional study has demonstrated a substantial alteration in protein function relative to the wild-type (PMID:23430493). It is absent or not present at a significant frequency in gnomAD. In silico models predict that this variant is possibly or probably damaging. In conclusion, we classify GAA p.Leu369Pro (c.1106T>C) as a likely pathogenic variant.

Labcorp Genetics (formerly Invitae), Labcorp
Classification: Likely pathogenic for Glycogen storage disease, type II. Last evaluated: 2025-09-02. Review status: criteria provided, single submitter. Criteria: Invitae Variant Classification Sherloc (09022015). Collection method: clinical testing. Allele origin: germline. Not counted in ClinVar's aggregate classification.
Comment: This sequence change replaces leucine, which is neutral and non-polar, with proline, which is neutral and non-polar, at codon 369 of the GAA protein (p.Leu369Pro). This variant is not present in population databases (gnomAD no frequency). This missense change has been observed in individual(s) with Pompe disease (PMID: 23430493). In at least one individual the data is consistent with being in trans (on the opposite chromosome) from a pathogenic variant. ClinVar contains an entry for this variant (Variation ID: 1034639). Invitae Evidence Modeling of protein sequence and biophysical properties (such as structural, functional, and spatial information, amino acid conservation, physicochemical variation, residue mobility, and thermodynamic stability) indicates that this missense variant is expected to disrupt GAA protein function with a positive predictive value of 95%. Experimental studies have shown that this missense change affects GAA function (PMID: 23430493). In summary, the currently available evidence indicates that the variant is pathogenic, but additional data are needed to prove that conclusively. Therefore, this variant has been classified as Likely Pathogenic.

Women's Health and Genetics/Laboratory Corporation of America, LabCorp
Classification: Likely pathogenic for Glycogen storage disease, type II. Last evaluated: 2025-03-28. Review status: criteria provided, single submitter. Criteria: LabCorp Variant Classification Summary - May 2015. Collection method: clinical testing. Allele origin: germline. Not counted in ClinVar's aggregate classification.
Comment: Variant summary: GAA c.1106T>C (p.Leu369Pro) results in a non-conservative amino acid change in the encoded protein sequence. Five of five in-silico tools predict a damaging effect of the variant on protein function. The variant was absent in 249182 control chromosomes (gnomAD). c.1106T>C has been reported in the literature in at least one individual affected with Glycogen Storage Disease, Type 2 (Pompe Disease) (Nio_2012). At least one publication reports experimental evidence evaluating an impact on protein function. The most pronounced variant effect results in <10% of normal activity (Nio_2012). The following publication have been ascertained in the context of this evaluation (PMID: 23430493). ClinVar contains an entry for this variant (Variation ID: 1034639). Based on the evidence outlined above, the variant was classified as likely pathogenic.

Mendelics
Classification: Pathogenic for Glycogen storage disease, type II. Last evaluated: 2022-05-04. Review status: criteria provided, single submitter. Criteria: Mendelics Assertion Criteria 2019. Collection method: clinical testing. Allele origin: germline. Not counted in ClinVar's aggregate classification.

Literature cited by the submitters: PubMed 23430493 (cited by 3 submitters).

NM_000152.5(GAA):c.1106T>C (p.Leu369Pro)

Gene: GAA (alpha glucosidase; plus strand). Cytogenetic location: 17q25.3.
Variant type: single nucleotide variant.
Coding change: c.1106T>C on transcript NM_000152.5 (MANE Select); coding-DNA position 1106, T replaced by C.
Protein change: p.Leu369Pro; replaces leucine 369 with proline.
Molecular consequence: missense variant.
Genome position (GRCh38, 1-based): chr17:80,108,519, T>C. VCF-style: chr17-80108519-T-C. GRCh37 (hg19) VCF-style: chr17-78082318-T-C.
Other names: c.1106T>C, p.Leu369Pro (NM_001079803.3, NM_001079804.3); short protein forms L369P.
Identifiers: ClinVar variation 1034639 (VCV001034639.12), dbSNP rs2039149745, ClinGen allele CA401364964.